The following is an entry in ClinVar:

NM_003200.5(TCF3):c.1327-3C>A

Gene: TCF3 (transcription factor 3; minus strand). Cytogenetic location: 19p13.3.
Variant type: single nucleotide variant.
Coding change: c.1327-3C>A on transcript NM_003200.5 (MANE Select); 3 bases into the intron before coding-DNA position 1327, C replaced by A.
Molecular consequence: intron variant.
Genome position (GRCh38, 1-based): chr19:1,619,237, G>T on the plus strand (C>A on the coding strand, the complement: TCF3 is on the minus strand). VCF-style: chr19-1619237-G-T. GRCh37 (hg19) VCF-style: chr19-1619236-G-T.
Other names: c.1324-3C>A (NM_001351778.2); c.1327-3C>A (NM_001136139.4, NM_001351779.2).
Identifiers: ClinVar variation 1051931 (VCV001051931.9), dbSNP rs369551101, ClinGen allele CA9049898.

ClinVar aggregate classification (germline): Uncertain significance. Review status: criteria provided, multiple submitters, no conflicts (2 of 4 stars). 2 submissions from 2 submitters: Uncertain significance (2). Last evaluated 2025-12-09.

Conditions:
Agammaglobulinemia 8b, autosomal recessive. Also called: AGAMMAGLOBULINEMIA, AUTOSOMAL RECESSIVE, DUE TO TCF3 DEFECT. Identifiers: MedGen C5676958, MONDO:0859234, OMIM 619824.
Agammaglobulinemia 8, autosomal dominant (AGM8A). Also called: AGAMMAGLOBULINEMIA, AUTOSOMAL DOMINANT, DUE TO TCF3 DEFECT; AGAMMAGLOBULINEMIA 8A, AUTOSOMAL DOMINANT. Identifiers: MedGen C4310786, MONDO:0014840, OMIM 616941.

Allele frequency attached by ClinVar (database versions not stated): gnomAD 0.00001; TOPMed 0.00003; ESP Exome Variant Server 0.00008.
gnomAD v4.1: 128 of 1,591,932 alleles (0.008%); highest among the groups gnomAD compares: Non-Finnish European, 0.01%; no homozygotes.

Submissions (3):

Labcorp Genetics (formerly Invitae), Labcorp
Classification: Uncertain significance. Last evaluated: 2025-12-09. Review status: criteria provided, single submitter. Criteria: Invitae Variant Classification Sherloc (09022015). Collection method: clinical testing. Allele origin: germline.
Comment: This sequence change falls in intron 15 of the TCF3 gene. It does not directly change the encoded amino acid sequence of the TCF3 protein. It affects a nucleotide within the consensus splice site. This variant is present in population databases (rs369551101, gnomAD 0.008%). This variant has not been reported in the literature in individuals affected with TCF3-related conditions. ClinVar contains an entry for this variant (Variation ID: 1051931). Variants that disrupt the consensus splice site are a relatively common cause of aberrant splicing (PMID: 17576681, 9536098). Algorithms developed to predict the effect of sequence changes on RNA splicing suggest that this variant is not likely to affect RNA splicing. In summary, the available evidence is currently insufficient to determine the role of this variant in disease. Therefore, it has been classified as a Variant of Uncertain Significance.

Fulgent Genetics
Classification: Uncertain significance for Agammaglobulinemia 8, autosomal dominant; Agammaglobulinemia 8b, autosomal recessive. Last evaluated: 2021-10-13. Review status: criteria provided, single submitter. Criteria: ACMG Guidelines, 2015. Collection method: clinical testing. Allele origin: unknown.

Dr. Peter K. Rogan Lab, Western University
No classification provided (evidence only). Condition: Acute myeloid leukemia. Review status: no classification provided. Collection method: in vitro. Allele origin: not applicable. Functional consequence: retained intron. Not counted in ClinVar's aggregate classification.

Literature cited by the submitters: PubMed 17576681 (cited by Labcorp Genetics (formerly Invitae), Labcorp); PubMed 9536098 (cited by Labcorp Genetics (formerly Invitae), Labcorp).